The following is an entry in ClinVar:

ClinVar aggregate classification (germline): Likely pathogenic (1 of 4 stars; one submission).

gnomAD v4.1: 1 of 1,611,470 alleles (0.000062%); highest among the groups gnomAD compares: Non-Finnish European, 0.000085%; no homozygotes.

Submission:

Labcorp Genetics (formerly Invitae), Labcorp
Classification: Likely pathogenic. Last evaluated: 2023-05-23. Review status: criteria provided, single submitter. Criteria: Invitae Variant Classification Sherloc (09022015). Collection method: clinical testing. Allele origin: germline.
Comment: In summary, the currently available evidence indicates that the variant is pathogenic, but additional data are needed to prove that conclusively. Therefore, this variant has been classified as Likely Pathogenic. This variant disrupts the p.Arg1339 amino acid residue in ABCC6. Other variant(s) that disrupt this residue have been determined to be pathogenic (PMID: 10954200, 12384774, 24352041, 27994049). This suggests that this residue is clinically significant, and that variants that disrupt this residue are likely to be disease-causing. Advanced modeling of protein sequence and biophysical properties (such as structural, functional, and spatial information, amino acid conservation, physicochemical variation, residue mobility, and thermodynamic stability) performed at Invitae indicates that this missense variant is expected to disrupt ABCC6 protein function. This variant has not been reported in the literature in individuals affected with ABCC6-related conditions. This variant is present in population databases (rs28939702, gnomAD 0.0009%). This sequence change replaces arginine, which is basic and polar, with serine, which is neutral and polar, at codon 1339 of the ABCC6 protein (p.Arg1339Ser).

Literature cited by the submitters: PubMed 10954200; PubMed 12384774; PubMed 24352041; PubMed 27994049.

NM_001171.6(ABCC6):c.4015C>A (p.Arg1339Ser)

Gene: ABCC6 (ATP binding cassette subfamily C member 6; minus strand). Cytogenetic location: 16p13.11.
Variant type: single nucleotide variant.
Coding change: c.4015C>A on transcript NM_001171.6 (MANE Select); coding-DNA position 4015, C replaced by A.
Protein change: p.Arg1339Ser; replaces arginine 1339 with serine.
Molecular consequence: missense variant. On other transcripts: non-coding transcript variant (1).
Genome position (GRCh38, 1-based): chr16:16,154,899, G>T on the plus strand (C>A on the coding strand, the complement: ABCC6 is on the minus strand). VCF-style: chr16-16154899-G-T. GRCh37 (hg19) VCF-style: chr16-16248756-G-T.
Other names: c.3673C>A, p.Arg1225Ser (NM_001351800.1); short protein forms R1225S, R1339S.
Identifiers: ClinVar variation 3008013 (VCV003008013.3), dbSNP rs28939702, ClinGen allele CA7925348.
Genomic context (GRCh38, chr16:16,154,899, plus strand): 5'-TCCCATCTTTGCCCACCCCCTCCACCAGCCTCACCTGGGGGATGATGCTGATCCTGGAGC[G>T]CAGTGTGTGCAGCCCCACGTGGGCAATGGGGACCCCGTCGATCCAGATCCCACCCTCAGC-3'
Protein context (NP_001162.5, residues 1329-1349): PIAHVGLHTL[Arg1339Ser]SRISIIPQDP